The following is an entry in ClinVar:

NM_000055.4(BCHE):c.695T>A (p.Val232Asp)

Gene: BCHE (butyrylcholinesterase; minus strand). Cytogenetic location: 3q26.1.
Variant type: single nucleotide variant.
Coding change: c.695T>A on transcript NM_000055.4 (MANE Select); coding-DNA position 695, T replaced by A.
Protein change: p.Val232Asp; replaces valine 232 with aspartic acid.
Molecular consequence: missense variant. On other transcripts: non-coding transcript variant (1).
Genome position (GRCh38, 1-based): chr3:165,830,339, A>T on the plus strand (T>A on the coding strand, the complement: BCHE is on the minus strand). VCF-style: chr3-165830339-A-T. GRCh37 (hg19) VCF-style: chr3-165548127-A-T.
Other names: short protein forms V232D.
Identifiers: ClinVar variation 3629791 (VCV003629791.1).

ClinVar aggregate classification (germline): Uncertain significance (1 of 4 stars; one submission).

gnomAD v4.1: 2 of 1,614,020 alleles (0.00012%); highest among the groups gnomAD compares: Non-Finnish European, 0.00017%; no homozygotes.

Submission:

Women's Health and Genetics/Laboratory Corporation of America, LabCorp
Classification: Uncertain significance. Last evaluated: 2024-11-06. Review status: criteria provided, single submitter. Criteria: LabCorp Variant Classification Summary - May 2015. Collection method: clinical testing. Allele origin: germline.
Comment: Variant summary: BCHE c.695T>A (p.Val232Asp) results in a non-conservative amino acid change located in the Carboxylesterase family (IPR002018) of the encoded protein sequence. Five of five in-silico tools predict a damaging effect of the variant on protein function. The variant was absent in 250812 control chromosomes. The available data on variant occurrences in the general population are insufficient to allow any conclusion about variant significance. c.695T>A has been reported in the literature in individuals affected with Deficiency Of Butyrylcholine Esterase (Delacour_2014). These data do not allow any conclusion about variant significance. To our knowledge, no experimental evidence demonstrating an impact on protein function has been reported. The following publication have been ascertained in the context of this evaluation (PMID: 25054547). No submitters have cited clinical-significance assessments for this variant to ClinVar. Based on the evidence outlined above, the variant was classified as uncertain significance.

Literature cited by the submitters: PubMed 25054547.